The following is an entry in ClinVar:

NM_000218.3(KCNQ1):c.2026_*7del (p.Ser676fs)

Genes: KCNQ1 (potassium voltage-gated channel subfamily Q member 1; plus strand), KCNQ1-AS1 (KCNQ1 antisense RNA 1; minus strand). Cytogenetic location: 11p15.4.
Variant type: Deletion.
Coding change: c.2026_*7del on transcript NM_000218.3 (MANE Select); coding-DNA position 2026 through 7 bases downstream of the stop codon, 13 bases deleted (TCCTGAGGAGGGG).
Protein change: p.Ser676fs; shifts the reading frame from serine 676.
Molecular consequence: frameshift variant.
Genome position (GRCh38, 1-based): chr11:2,847,998-2,848,010, TCCTGAGGAGGGG deleted; deleting any 13 consecutive bases within chr11:2,847,992-2,848,010 gives the same sequence; the c. name uses the placement nearest the transcript's 3' end. VCF-style (leftmost placement, unchanged base first): chr11-2847991-TGAGGGGTCCTGAG-T. GRCh37 (hg19) VCF-style: chr11-2869221-TGAGGGGTCCTGAG-T.
Other names: c.1930_*7del, p.Ser644fs (NM_001406836.1); c.1756_*7del, p.Ser586fs (NM_001406837.1); c.1486_*7del, p.Ser496fs (NM_001406838.1); c.538_*7del, p.Ser180fs (NM_001406839.1); c.1645_*7del, p.Ser549fs (NM_181798.2); short protein forms S180fs, S549fs, S586fs, S496fs, S676fs, S644fs.
Identifiers: ClinVar variation 3632814 (VCV003632814.2).

ClinVar aggregate classification (germline): Uncertain significance (1 of 4 stars; one submission).

Conditions:
Long QT syndrome (LQTS). Identifiers: MedGen C0023976, MeSH D008133, MONDO:0002442. Disease mechanism: loss of function. Inheritance: Various modes of inheritance.

Submission:

Labcorp Genetics (formerly Invitae), Labcorp
Classification: Uncertain significance for Long QT syndrome. Last evaluated: 2024-12-13. Review status: criteria provided, single submitter. Criteria: Invitae Variant Classification Sherloc (09022015). Collection method: clinical testing. Allele origin: germline.
Comment: This sequence change disrupts the translational stop signal of the KCNQ1 mRNA. It is expected to extend the length of the KCNQ1 protein by 7 additional amino acid residues. This variant is not present in population databases (gnomAD no frequency). This variant has not been reported in the literature in individuals affected with KCNQ1-related conditions. Experimental studies and prediction algorithms are not available or were not evaluated, and the functional significance of this variant is currently unknown. In summary, the available evidence is currently insufficient to determine the role of this variant in disease. Therefore, it has been classified as a Variant of Uncertain Significance.